The following is an entry in ClinVar:

NM_006912.6(RIT1):c.500A>G (p.Tyr167Cys)

Gene: RIT1 (Ras like without CAAX 1; minus strand). Cytogenetic location: 1q22.
Variant type: single nucleotide variant.
Coding change: c.500A>G on transcript NM_006912.6 (MANE Select); coding-DNA position 500, A replaced by G.
Protein change: p.Tyr167Cys; replaces tyrosine 167 with cysteine.
Molecular consequence: missense variant.
Genome position (GRCh38, 1-based): chr1:155,900,548, T>C on the plus strand (A>G on the coding strand, the complement: RIT1 is on the minus strand). VCF-style: chr1-155900548-T-C. GRCh37 (hg19) VCF-style: chr1-155870339-T-C.
Other names: c.392A>G, p.Tyr131Cys (NM_001256820.2); c.551A>G, p.Tyr184Cys (NM_001256821.2); c.500A>G (NM_006912.4); short protein forms Y167C, Y131C, Y184C.
Identifiers: ClinVar variation 1522646 (VCV001522646.10), dbSNP rs1372704169, ClinGen allele CA342801436.
Genomic context (GRCh38, chr1:155,900,548, plus strand): 5'-TTTTCTTTCCTACGTATCTCCCGTACAAGGGCATGGAAAACATCATCAATATAGTAGCGG[T>C]ATGCAGCAGATGTCTCAAAAAAGGGACAGCTGAATTCTCGGGCCAAGGCCAATCCTTCTT-3'
Protein context (NP_008843.1, residues 157-177): SCPFFETSAA[Tyr167Cys]RYYIDDVFHA

ClinVar aggregate classification (germline): Uncertain significance. Review status: criteria provided, multiple submitters, no conflicts (2 of 4 stars). 3 submissions from 3 submitters: Uncertain significance (3). Last evaluated 2026-01-25.

Conditions:
Cardiovascular phenotype. Identifiers: MedGen CN230736.
Noonan syndrome 8 (NS8). Identifiers: Orphanet 648, MedGen C3809233, MONDO:0014143, OMIM 615355.

Allele frequency attached by ClinVar (database versions not stated): gnomAD exomes below 0.00001; gnomAD 0.00001; TOPMed 0.00001.
gnomAD v4.1: 8 of 1,614,064 alleles (0.0005%); highest among the groups gnomAD compares: Non-Finnish European, 0.00059%; no homozygotes.

Submissions (3):

Labcorp Genetics (formerly Invitae), Labcorp
Classification: Uncertain significance for Noonan syndrome 8. Last evaluated: 2026-01-25. Review status: criteria provided, single submitter. Criteria: Invitae Variant Classification Sherloc (09022015). Collection method: clinical testing. Allele origin: germline.
Comment: This sequence change replaces tyrosine, which is neutral and polar, with cysteine, which is neutral and slightly polar, at codon 167 of the RIT1 protein (p.Tyr167Cys). This variant is not present in population databases (gnomAD no frequency). This variant has not been reported in the literature in individuals affected with RIT1-related conditions. ClinVar contains an entry for this variant (Variation ID: 1522646). Invitae Evidence Modeling incorporating data from in vitro experimental studies (internal data) indicates that this missense variant is not expected to disrupt RIT1 function with a negative predictive value of 95%. In summary, the available evidence is currently insufficient to determine the role of this variant in disease. Therefore, it has been classified as a Variant of Uncertain Significance.

Ambry Genetics
Classification: Uncertain significance for Cardiovascular phenotype. Last evaluated: 2023-05-04. Review status: criteria provided, single submitter. Criteria: Ambry Variant Classification Scheme 2023. Collection method: clinical testing. Allele origin: germline.
Comment: The p.Y167C variant (also known as c.500A>G), located in coding exon 5 of the RIT1 gene, results from an A to G substitution at nucleotide position 500. The tyrosine at codon 167 is replaced by cysteine, an amino acid with highly dissimilar properties. This amino acid position is conserved. In addition, the in silico prediction for this alteration is inconclusive. Since supporting evidence is limited at this time, the clinical significance of this alteration remains unclear.

Genome-Nilou Lab
Classification: Uncertain significance for Noonan syndrome 8. Last evaluated: 2023-04-11. Review status: criteria provided, single submitter. Criteria: ACMG Guidelines, 2015. Collection method: clinical testing. Allele origin: germline. Affected: no.